The following is an entry in ClinVar:

NM_000238.4(KCNH2):c.581T>G (p.Val194Gly)

Gene: KCNH2 (potassium voltage-gated channel subfamily H member 2; minus strand). Cytogenetic location: 7q36.1.
Variant type: single nucleotide variant.
Coding change: c.581T>G on transcript NM_000238.4 (MANE Select); coding-DNA position 581, T replaced by G.
Protein change: p.Val194Gly; replaces valine 194 with glycine.
Molecular consequence: missense variant. On other transcripts: non-coding transcript variant (1).
Genome position (GRCh38, 1-based): chr7:150,958,394, A>C on the plus strand (T>G on the coding strand, the complement: KCNH2 is on the minus strand). VCF-style: chr7-150958394-A-C. GRCh37 (hg19) VCF-style: chr7-150655482-A-C.
Other names: c.293T>G, p.Val98Gly (NM_001406756.1, NM_001406753.1); c.281T>G, p.Val94Gly (NM_001406757.1); c.581T>G, p.Val194Gly (NM_172056.3); c.404T>G, p.Val135Gly (NM_001406755.1); short protein forms V135G, V194G, V94G, V98G.
Identifiers: ClinVar variation 4858630 (VCV004858630.1).

ClinVar aggregate classification (germline): Uncertain significance (1 of 4 stars; one submission).

Conditions:
Cardiovascular phenotype. Identifiers: MedGen CN230736.

Submission:

Ambry Genetics
Classification: Uncertain significance for Cardiovascular phenotype. Last evaluated: 2026-04-23. Review status: criteria provided, single submitter. Criteria: Ambry Variant Classification Scheme 2023. Collection method: clinical testing. Allele origin: germline.
Comment: The p.V194G variant (also known as c.581T>G), located in coding exon 4 of the KCNH2 gene, results from a T to G substitution at nucleotide position 581. The valine at codon 194 is replaced by glycine, an amino acid with dissimilar properties. This amino acid position is conserved. In addition, this alteration is predicted to be tolerated by in silico analysis. Based on the available evidence, the clinical significance of this variant remains unclear.